The following is an entry in ClinVar:

ClinVar aggregate classification (germline): Benign/Likely benign. Review status: criteria provided, multiple submitters, no conflicts (2 of 4 stars). 8 submissions from 8 submitters: Benign (7); Likely benign (1). Last evaluated 2026-02-03.

Conditions:
Anemia, congenital dyserythropoietic, type 1a (CDAN1A). Also called: CDAN1-Related Congenital Dyserythropoietic Anemia; DYSERYTHROPOIETIC ANEMIA, CONGENITAL, TYPE Ia. Identifiers: MedGen C5574667, MONDO:0009135, OMIM 224120.
Congenital dyserythropoietic anemia, type I. Also called: Dyserythropoietic anemia, congenital type 1. Identifiers: Orphanet 98869, MedGen C0271933, MONDO:0020337. Disease mechanism: loss of function.

Allele frequency attached by ClinVar (database versions not stated): gnomAD exomes 0.20155 and 0.20753; ExAC 0.21579; TOPMed 0.25152; gnomAD 0.25644 and 0.25780; 1000 Genomes Project 0.26298; ESP Exome Variant Server 0.26961; 1000 Genomes Project 30x 0.27202.
gnomAD v4.1: 334,207 of 1,613,806 alleles (21%); highest among the groups gnomAD compares: African/African-American, 44%; 39,195 homozygotes.

Submissions (8):

Labcorp Genetics (formerly Invitae), Labcorp
Classification: Benign. Last evaluated: 2026-02-03. Review status: criteria provided, single submitter. Criteria: Invitae Variant Classification Sherloc (09022015). Collection method: clinical testing. Allele origin: germline.

Mayo Clinic Laboratories, Mayo Clinic
Classification: Benign. Last evaluated: 2025-08-11. Review status: criteria provided, single submitter. Criteria: ACMG Guidelines, 2015. Collection method: clinical testing. Allele origin: germline. Observed: 799 variant alleles.
Comment: BA1

ARUP Laboratories, Molecular Genetics and Genomics, ARUP Laboratories
Classification: Benign for Anemia, congenital dyserythropoietic, type 1a. Last evaluated: 2025-07-31. Review status: criteria provided, single submitter. Criteria: ARUP Molecular Germline Variant Investigation Process 2024. Collection method: clinical testing. Allele origin: germline.

Blueprint Genetics
Classification: Likely benign. Last evaluated: 2024-11-27. Review status: criteria provided, single submitter. Criteria: ACMG Guidelines, 2015. Collection method: clinical testing. Allele origin: germline.

GeneDx
Classification: Benign. Last evaluated: 2021-05-04. Review status: criteria provided, single submitter. Criteria: GeneDx Variant Classification Process June 2021. Collection method: clinical testing. Allele origin: germline. Affected: yes.
Comment: This variant is associated with the following publications: (PMID: 29031773)

Illumina Laboratory Services, Illumina
Classification: Benign for Anemia, congenital dyserythropoietic, type 1a. Last evaluated: 2018-01-12. Review status: criteria provided, single submitter. Criteria: ICSL Variant Classification Criteria 13 December 2019. Collection method: clinical testing. Allele origin: germline.
Comment: This variant was observed in the ICSL laboratory as part of a predisposition screen in an ostensibly healthy population. It had not been previously curated by ICSL or reported in the Human Gene Mutation Database (HGMD: prior to June 1st, 2018), and was therefore a candidate for classification through an automated scoring system. Utilizing variant allele frequency, disease prevalence and penetrance estimates, and inheritance mode, an automated score was calculated to assess if this variant is too frequent to cause the disease. Based on the score and internal cut-off values, a variant classified as benign is not then subjected to further curation. The score for this variant resulted in a classification of benign for this disease.

Breakthrough Genomics
Classification: Benign. Review status: criteria provided, single submitter. Criteria: ACMG Guidelines, 2015. Collection method: not provided. Allele origin: germline. Inheritance: Autosomal recessive inheritance. Affected: yes.

PreventionGenetics, part of Exact Sciences
Classification: Benign. Review status: criteria provided, single submitter. Criteria: ACMG Guidelines, 2015. Collection method: clinical testing. Allele origin: germline.

NM_138477.4(CDAN1):c.2671C>T (p.Arg891Cys)

Gene: CDAN1 (codanin 1; minus strand). Cytogenetic location: 15q15.2.
Variant type: single nucleotide variant.
Coding change: c.2671C>T on transcript NM_138477.4 (MANE Select); coding-DNA position 2671, C replaced by T.
Protein change: p.Arg891Cys; replaces arginine 891 with cysteine.
Molecular consequence: missense variant.
Genome position (GRCh38, 1-based): chr15:42,728,785, G>A on the plus strand (C>T on the coding strand, the complement: CDAN1 is on the minus strand). VCF-style: chr15-42728785-G-A. GRCh37 (hg19) VCF-style: chr15-43020983-G-A.
Other names: c.2671C>T, p.Arg891Cys (LRG_1164t1); short protein forms R891C.
Identifiers: ClinVar variation 21749 (VCV000021749.31), dbSNP rs8023524, ClinGen allele CA342449.